The following is an entry in ClinVar:

ClinVar aggregate classification (germline): Uncertain significance. Review status: criteria provided, multiple submitters, no conflicts (2 of 4 stars). 2 submissions from 2 submitters: Uncertain significance (2). Last evaluated 2025-11-03.

Allele frequency attached by ClinVar (database versions not stated): gnomAD exomes 0.00001; ExAC 0.00005; gnomAD 0.00009; TOPMed 0.00009; ESP Exome Variant Server 0.00015; 1000 Genomes Project 0.00020; 1000 Genomes Project 30x 0.00031.
gnomAD v4.1: 23 of 1,613,830 alleles (0.0014%); highest among the groups gnomAD compares: African/African-American, 0.029%; no homozygotes.

Submissions (2):

Labcorp Genetics (formerly Invitae), Labcorp
Classification: Uncertain significance. Last evaluated: 2025-11-03. Review status: criteria provided, single submitter. Criteria: Invitae Variant Classification Sherloc (09022015). Collection method: clinical testing. Allele origin: germline.
Comment: This sequence change replaces isoleucine, which is neutral and non-polar, with valine, which is neutral and non-polar, at codon 259 of the IL2RB protein (p.Ile259Val). This variant is present in population databases (rs140720297, gnomAD 0.05%). This variant has not been reported in the literature in individuals affected with IL2RB-related conditions. ClinVar contains an entry for this variant (Variation ID: 2059633). An algorithm developed to predict the effect of missense changes on protein structure and function outputs the following: PolyPhen-2: "Benign". The valine amino acid residue is found in multiple mammalian species, which suggests that this missense change does not adversely affect protein function. In summary, the available evidence is currently insufficient to determine the role of this variant in disease. Therefore, it has been classified as a Variant of Uncertain Significance.

Ambry Genetics
Classification: Uncertain significance. Last evaluated: 2024-06-13. Review status: criteria provided, single submitter. Criteria: Ambry Variant Classification Scheme 2023. Collection method: clinical testing. Allele origin: germline.

NM_000878.5(IL2RB):c.775A>G (p.Ile259Val)

Gene: IL2RB (interleukin 2 receptor subunit beta; minus strand). Cytogenetic location: 22q12.3.
Variant type: single nucleotide variant.
Coding change: c.775A>G on transcript NM_000878.5 (MANE Select); coding-DNA position 775, A replaced by G.
Protein change: p.Ile259Val; replaces isoleucine 259 with valine.
Molecular consequence: missense variant.
Genome position (GRCh38, 1-based): chr22:37,135,371, T>C on the plus strand (A>G on the coding strand, the complement: IL2RB is on the minus strand). VCF-style: chr22-37135371-T-C. GRCh37 (hg19) VCF-style: chr22-37531411-T-C.
Other names: c.775A>G, p.Ile259Val (NM_001346222.1, NM_001346223.2); c.775A>G (NM_000878.2); short protein forms I259V.
Identifiers: ClinVar variation 2059633 (VCV002059633.5), dbSNP rs140720297, ClinGen allele CA10216525.